The following is an entry in ClinVar:

NM_013339.4(ALG6):c.1249C>T (p.Gln417Ter)

Gene: ALG6 (ALG6 alpha-1,3-glucosyltransferase; plus strand). Cytogenetic location: 1p31.3.
Variant type: single nucleotide variant.
Coding change: c.1249C>T on transcript NM_013339.4 (MANE Select); coding-DNA position 1249, C replaced by T.
Protein change: p.Gln417Ter; replaces glutamine 417 with a stop codon.
Molecular consequence: nonsense.
Genome position (GRCh38, 1-based): chr1:63,429,049, C>T. VCF-style: chr1-63429049-C-T. GRCh37 (hg19) VCF-style: chr1-63894720-C-T.
Other names: short protein forms Q417*.
Identifiers: ClinVar variation 968257 (VCV000968257.7), dbSNP rs1644631921, ClinGen allele CA340640317.

ClinVar aggregate classification (germline): Pathogenic (1 of 4 stars; one submission).

Conditions:
ALG6-congenital disorder of glycosylation 1C (CDG1C). Also called: CARBOHYDRATE-DEFICIENT GLYCOPROTEIN SYNDROME, TYPE I, WITH DEFICIENT GLYCOSYLATION OF DOLICHOL-LINKED OLIGOSACCHARIDE; CARBOHYDRATE-DEFICIENT GLYCOPROTEIN SYNDROME, TYPE V; Congenital disorder of glycosylation type 1C; CDG Ic; Congenital disorder of glycosylation, type Ic. Identifiers: Orphanet 79320, MedGen C2930997, MONDO:0011291, OMIM 603147.

Submission:

Labcorp Genetics (formerly Invitae), Labcorp
Classification: Pathogenic for ALG6-congenital disorder of glycosylation 1C. Last evaluated: 2019-11-09. Review status: criteria provided, single submitter. Criteria: Invitae Variant Classification Sherloc (09022015). Collection method: clinical testing. Allele origin: germline.
Comment: This sequence change creates a premature translational stop signal (p.Gln417*) in the ALG6 gene. It is expected to result in an absent or disrupted protein product. This variant is not present in population databases (ExAC no frequency). This variant has not been reported in the literature in individuals with ALG6-related conditions. Loss-of-function variants in ALG6 are known to be pathogenic (PMID: 19862844). For these reasons, this variant has been classified as Pathogenic.

Literature cited by the submitters: PubMed 19862844.